The following is an entry in ClinVar:

NM_000075.4(CDK4):c.393T>A (p.Leu131=)

Gene: CDK4 (cyclin dependent kinase 4; minus strand). Cytogenetic location: 12q14.1.
Variant type: single nucleotide variant.
Coding change: c.393T>A on transcript NM_000075.4 (MANE Select); coding-DNA position 393, T replaced by A.
Protein change: p.Leu131=; no amino-acid change (leucine 131 retained).
Molecular consequence: synonymous variant.
Genome position (GRCh38, 1-based): chr12:57,751,052, A>T on the plus strand (T>A on the coding strand, the complement: CDK4 is on the minus strand). VCF-style: chr12-57751052-A-T. GRCh37 (hg19) VCF-style: chr12-58144835-A-T.
Identifiers: ClinVar variation 3378926 (VCV003378926.1).

ClinVar aggregate classification (germline): Benign (1 of 4 stars; one submission).

Conditions:
Melanoma, cutaneous malignant, susceptibility to, 3. Also called: Cutaneous malignant melanoma 3. Identifiers: Orphanet 618, MedGen C1836892, MONDO:0012183, OMIM 609048.

gnomAD v4.1: 1 of 1,614,184 alleles (0.000062%); highest among the groups gnomAD compares: Non-Finnish European, 0.000085%; no homozygotes.

Submission:

Myriad Genetics, Inc.
Classification: Benign for Melanoma, cutaneous malignant, susceptibility to, 3. Last evaluated: 2024-09-25. Review status: criteria provided, single submitter. Criteria: Myriad Autosomal Dominant, Autosomal Recessive and X-Linked Classification Criteria (2023). Collection method: clinical testing. Allele origin: unknown.
Comment: This variant is considered benign. This variant is a silent/synonymous amino acid change and it is not expected to impact splicing.